The following is an entry in ClinVar:

ClinVar aggregate classification (germline): Uncertain significance (0 of 4 stars; one submission).

Conditions:
Atrial conduction disease. Identifiers: Orphanet 436242, MedGen CN221670, MONDO:0014500.

Submission:

Department of Traditional Chinese Medicine, Fujian Provincial Hospital
Classification: Uncertain significance for Cardiac conduction disease with or without cardiomyoopathy. Review status: no assertion criteria provided. Collection method: research. Allele origin: inherited.
Comment: This mutation is consistent with PM2_Supporting (Absent from controls in Exome Sequencing Project, 1000 Genomes or ExAC) + PM4 (Protein length changes due to in-frame deletions/insertions in a non-repeat region or stop-loss variants), as per the ACMG guidelines, so we consider its pathogenicity to be uncertain.

Literature cited by the submitters: DOI 10.3390/ijms22126422.

NC_000001.10:g.(?_74701070)_(74701895_?)dup

Genes: FPGT-TNNI3K (FPGT-TNNI3K readthrough; plus strand), TNNI3K (TNNI3 interacting kinase; plus strand). Cytogenetic location: 1p31.1.
Variant type: Duplication.
Identifiers: ClinVar variation 3076078 (VCV003076078.1).